The following is an entry in ClinVar:

ClinVar aggregate classification (germline): Pathogenic. Review status: criteria provided, multiple submitters, no conflicts (2 of 4 stars). 5 submissions from 5 submitters: Pathogenic (5). Last evaluated 2025-03-25.

Conditions:
CEP290-related ciliopathy. Also called: CEP290 ciliopathy. Identifiers: MedGen CN305601, MONDO:0100451.
Meckel-Gruber syndrome. Also called: Dysencephalia splachnocystica; DYSENCEPHALIA SPLANCHNOCYSTICA; GRUBER SYNDROME. Identifiers: Orphanet 564, MedGen C0265215, MONDO:0018921.
Nephronophthisis. Also called: Juvenile Nephronophthisis. Identifiers: Orphanet 655, MedGen C0687120, MONDO:0019005, HP:0000090.
Joubert syndrome. Also called: Familial aplasia of the vermis; CEREBELLOPARENCHYMAL DISORDER IV; JOUBERT-BOLTSHAUSER SYNDROME. Identifiers: Orphanet 475, MedGen C5979921, MONDO:0018772.
Bardet-Biedl syndrome 14 (BBS14). Identifiers: Orphanet 110, MedGen C2673874, MONDO:0014442, OMIM 615991.
Joubert syndrome 5 (JBTS5). Identifiers: Orphanet 2318, MedGen C1857780, MONDO:0012432, OMIM 610188.

Allele frequency attached by ClinVar (database versions not stated): TOPMed below 0.00001; gnomAD exomes 0.00001.

Submissions (5):

Myriad Genetics, Inc.
Classification: Pathogenic for CEP290-related ciliopathy. Last evaluated: 2025-03-25. Review status: criteria provided, single submitter. Criteria: Myriad Autosomal Dominant, Autosomal Recessive and X-Linked Classification Criteria (2023). Collection method: clinical testing. Allele origin: unknown.
Comment: NM_025114.3(CEP290):c.7027delG(V2343Ffs*4) is a frameshift variant classified as pathogenic in the context of CEP290-related disorders. V2343Ffs*4 has been observed in cases with relevant disease (PMID: 29398085, 33105651). Relevant functional assessments of this variant are not available in the literature. V2343Ffs*4 has not been observed in referenced population frequency databases. In summary, NM_025114.3(CEP290):c.7027delG(V2343Ffs*4) is a frameshift variant in a gene where loss of function is a known mechanism of disease, is predicted to disrupt protein function, and has been observed more frequently in cases with the relevant disease than in healthy populations. Please note: this variant was assessed in the context of healthy population screening.

Labcorp Genetics (formerly Invitae), Labcorp
Classification: Pathogenic for Joubert syndrome; Meckel-Gruber syndrome; Nephronophthisis. Last evaluated: 2023-08-14. Review status: criteria provided, single submitter. Criteria: Invitae Variant Classification Sherloc (09022015). Collection method: clinical testing. Allele origin: germline.
Comment: This sequence change creates a premature translational stop signal (p.Val2343Phefs*4) in the CEP290 gene. It is expected to result in an absent or disrupted protein product. Loss-of-function variants in CEP290 are known to be pathogenic (PMID: 16909394, 17345604, 20690115). For these reasons, this variant has been classified as Pathogenic. Algorithms developed to predict the effect of sequence changes on RNA splicing suggest that this variant may disrupt the consensus splice site. ClinVar contains an entry for this variant (Variation ID: 930681). This premature translational stop signal has been observed in individual(s) with Leber congenital amaurosis (PMID: 29398085). This variant is not present in population databases (gnomAD no frequency).

Baylor Genetics
Classification: Pathogenic for Bardet-Biedl syndrome 14. Last evaluated: 2023-04-18. Review status: criteria provided, single submitter. Criteria: ACMG Guidelines, 2015. Collection method: clinical testing. Allele origin: unknown.

Victorian Clinical Genetics Services, Murdoch Childrens Research Institute
Classification: Pathogenic for CEP290-related ciliopathy. Last evaluated: 2022-06-24. Review status: criteria provided, single submitter. Criteria: ACMG Guidelines, 2015. Collection method: clinical testing. Allele origin: germline. Inheritance: Autosomal recessive inheritance.
Comment: Based on the classification scheme VCGS_Germline_v1.3.4, this variant is classified as Pathogenic. Following criteria are met: 0102 - Loss of function is a known mechanism of disease in this gene and is associated with Joubert syndrome 5 (MIM#610188), Leber congenital amaurosis 10 (MIM#611755), Meckel syndrome 4 (MIM#611134), Senior-Loken syndrome 6 (MIM#610189). (I) 0106 - This gene is associated with autosomal recessive disease. (I) 0201 - Variant is predicted to cause nonsense-mediated decay (NMD) and loss of protein (premature termination codon is located at least 54 nucleotides upstream of the final exon-exon junction). (SP) 0251 - This variant is heterozygous. (I) 0301 - Variant is absent from gnomAD (both v2 and v3). (SP) 0701 - Other NMD predicted variants comparable to the one identified in this case have very strong previous evidence for pathogenicity (ClinVar). (SP) 0802 - This variant has moderate previous evidence of pathogenicity in unrelated individuals. This variant has been reported as likely pathogenic and pathogenic in individuals with Joubert syndrome 5 (ClinVar). It has also been reported in two individuals with either Leber congenital amaurosis or retinitis pigmentosa (PMID: 29398085, 33105651). (SP) 1208 - Inheritance information for this variant is not currently available in this individual. (I) Legend: (SP) - Supporting pathogenic, (I) - Information, (SB) - Supporting benign

Centre for Mendelian Genomics, University Medical Centre Ljubljana
Classification: Pathogenic for Joubert syndrome 5. Last evaluated: 2018-11-28. Review status: criteria provided, single submitter. Criteria: ACMG Guidelines, 2015. Collection method: clinical testing. Allele origin: unknown. Affected: yes.
Comment: This variant was classified as: Pathogenic. The following ACMG criteria were applied in classifying this variant: PVS1,PM2,PP5.

Literature cited by the submitters: PubMed 29398085 (cited by 3 submitters); PubMed 33105651 (cited by Myriad Genetics, Inc. and Victorian Clinical Genetics Services, Murdoch Childrens Research Institute); PubMed 16909394 (cited by Labcorp Genetics (formerly Invitae), Labcorp); PubMed 17345604 (cited by Labcorp Genetics (formerly Invitae), Labcorp); PubMed 20690115 (cited by Labcorp Genetics (formerly Invitae), Labcorp).

NM_025114.4(CEP290):c.7027del (p.Val2343fs)

Gene: CEP290 (centrosomal protein 290; minus strand). Cytogenetic location: 12q21.32.
Variant type: Deletion.
Coding change: c.7027del on transcript NM_025114.4 (MANE Select); coding-DNA position 7027, one base deleted (G; older notation c.7027delG).
Protein change: p.Val2343fs; shifts the reading frame from valine 2343.
Molecular consequence: frameshift variant.
Genome position (GRCh38, 1-based): chr12:88,054,347, C deleted on the plus strand (G on the coding strand, the reverse complement: CEP290 is on the minus strand). VCF-style (leftmost placement, unchanged base first): chr12-88054346-AC-A. GRCh37 (hg19) VCF-style: chr12-88448123-AC-A.
Other names: short protein forms V2343fs.
Identifiers: ClinVar variation 930681 (VCV000930681.17), dbSNP rs2033827549, ClinGen allele CA1139662791.